The following is an entry in ClinVar:

NM_001173990.3(TMEM216):c.335A>G (p.Tyr112Cys)

Gene: TMEM216 (transmembrane protein 216; plus strand). Cytogenetic location: 11q12.2.
Variant type: single nucleotide variant.
Coding change: c.335A>G on transcript NM_001173990.3 (MANE Select); coding-DNA position 335, A replaced by G.
Protein change: p.Tyr112Cys; replaces tyrosine 112 with cysteine.
Molecular consequence: missense variant.
Genome position (GRCh38, 1-based): chr11:61,397,879, A>G. VCF-style: chr11-61397879-A-G. GRCh37 (hg19) VCF-style: chr11-61165351-A-G.
Other names: c.335A>G, p.Tyr112Cys (NM_001173991.3); c.152A>G, p.Tyr51Cys (NM_001330285.2, NM_016499.6); short protein forms Y112C, Y51C.
Identifiers: ClinVar variation 1353789 (VCV001353789.8), dbSNP rs1170057144, ClinGen allele CA380686282.
Genomic context (GRCh38, chr11:61,397,879, plus strand): 5'-GCGTGGCCTTGACCTTCCCATCTGCCATGATGGCCTCCTATTACCTGCTGCTGCAGACCT[A>G]CGTACTCCGCCTGGAAGCCATCATGAATGGCATCTTGCTCTTCTTCTGTGGCTCAGAGCT-3'
Protein context (NP_001167461.1, residues 102-122): MASYYLLLQT[Tyr112Cys]VLRLEAIMNG

ClinVar aggregate classification (germline): Uncertain significance (1 of 4 stars; one submission).

Conditions:
Joubert syndrome. Also called: CEREBELLOPARENCHYMAL DISORDER IV; JOUBERT-BOLTSHAUSER SYNDROME; Familial aplasia of the vermis. Identifiers: Orphanet 475, MedGen C5979921, MONDO:0018772.

Allele frequency attached by ClinVar (database versions not stated): TOPMed 0.00001; gnomAD 0.00002.
gnomAD v4.1: 3 of 1,613,774 alleles (0.00019%); highest among the groups gnomAD compares: African/African-American, 0.004%; no homozygotes.

Submission:

Labcorp Genetics (formerly Invitae), Labcorp
Classification: Uncertain significance for Joubert syndrome. Last evaluated: 2020-12-24. Review status: criteria provided, single submitter. Criteria: Invitae Variant Classification Sherloc (09022015). Collection method: clinical testing. Allele origin: germline.
Comment: In summary, the available evidence is currently insufficient to determine the role of this variant in disease. Therefore, it has been classified as a Variant of Uncertain Significance. Algorithms developed to predict the effect of missense changes on protein structure and function (SIFT, PolyPhen-2, Align-GVGD) all suggest that this variant is likely to be disruptive, but these predictions have not been confirmed by published functional studies and their clinical significance is uncertain. This variant has not been reported in the literature in individuals with TMEM216-related conditions. This variant is not present in population databases (ExAC no frequency). This sequence change replaces tyrosine with cysteine at codon 112 of the TMEM216 protein (p.Tyr112Cys). The tyrosine residue is highly conserved and there is a large physicochemical difference between tyrosine and cysteine.